The following is an entry in ClinVar:

NM_001164508.2(NEB):c.8625A>G (p.Thr2875=)

Gene: NEB (nebulin; minus strand). Cytogenetic location: 2q23.3.
Variant type: single nucleotide variant.
Coding change: c.8625A>G on transcript NM_001164508.2 (MANE Select); coding-DNA position 8625, A replaced by G.
Protein change: p.Thr2875=; no amino-acid change (threonine 2875 retained).
Molecular consequence: synonymous variant.
Genome position (GRCh38, 1-based): chr2:151,640,415, T>C on the plus strand (A>G on the coding strand, the complement: NEB is on the minus strand). VCF-style: chr2-151640415-T-C. GRCh37 (hg19) VCF-style: chr2-152496929-T-C.
Other names: c.8625A>G, p.Thr2875= (NM_001164507.2, NM_001271208.2, NM_004543.5).
Identifiers: ClinVar variation 507235 (VCV000507235.13), dbSNP rs200386897, ClinGen allele CA1909546.

ClinVar aggregate classification (germline): Likely benign. Review status: criteria provided, multiple submitters, no conflicts (2 of 4 stars). 3 submissions from 3 submitters: Likely benign (3). Last evaluated 2026-01-31.

Conditions:
Nemaline myopathy 2 (NEM2). Also called: Nemaline myopathy 2, autosomal recessive. Identifiers: MedGen C1850569, MONDO:0009725, OMIM 256030.

Allele frequency attached by ClinVar (database versions not stated): gnomAD 0.00005 and 0.00013; TOPMed 0.00009; gnomAD exomes 0.00020; ExAC 0.00022; 1000 Genomes Project 30x 0.00094; 1000 Genomes Project 0.00120.
gnomAD v4.1: 149 of 1,613,962 alleles (0.0092%); highest among the groups gnomAD compares: East Asian, 0.15%; 1 homozygote.

Submissions (3):

Labcorp Genetics (formerly Invitae), Labcorp
Classification: Likely benign for Nemaline myopathy 2. Last evaluated: 2026-01-31. Review status: criteria provided, single submitter. Criteria: Invitae Variant Classification Sherloc (09022015). Collection method: clinical testing. Allele origin: germline.

Blueprint Genetics
Classification: Likely benign. Last evaluated: 2022-12-16. Review status: criteria provided, single submitter. Criteria: ACMG Guidelines, 2015. Collection method: clinical testing. Allele origin: germline.

GeneDx
Classification: Likely benign. Last evaluated: 2017-02-06. Review status: criteria provided, single submitter. Criteria: GeneDx Variant Classification (06012015). Collection method: clinical testing. Allele origin: germline. Affected: yes.
Comment: This variant is considered likely benign or benign based on one or more of the following criteria: it is a conservative change, it occurs at a poorly conserved position in the protein, it is predicted to be benign by multiple in silico algorithms, and/or has population frequency not consistent with disease.